The following is an entry in ClinVar:

NM_014244.5(ADAMTS2):c.67_68insCTCGT (p.Leu23fs)

Gene: ADAMTS2 (ADAM metallopeptidase with thrombospondin type 1 motif 2; minus strand). Cytogenetic location: 5q35.3.
Variant type: Insertion.
Coding change: c.67_68insCTCGT on transcript NM_014244.5 (MANE Select); coding-DNA positions 67 to 68, CTCGT inserted.
Protein change: p.Leu23fs; shifts the reading frame from leucine 23.
Molecular consequence: frameshift variant.
Genome position: GRCh38 VCF-style: chr5-179345261-A-AACGAG. GRCh37 (hg19) VCF-style: chr5-178772262-A-AACGAG.
Other names: c.67_68insCTCGT, p.Leu23fs (NM_021599.4); short protein forms L23fs.
Identifiers: ClinVar variation 5010944 (VCV005010944.1).
Genomic context (GRCh38, chr5:179,345,261, plus strand): 5'-GCGGCGGCGGCGAGCCTGGCGTTCGCGGGCGGCGGCGGCGGCGGCAGGAGCGGCGGCGGC[A>AACGAG]GCAGCAGCAGCAGCAGCAGCAGCGCGGGGCAGAGCAGGCGGCGAGCGGCTCCCGCCGGCG-3'

ClinVar aggregate classification (germline): Pathogenic (1 of 4 stars; one submission).

Conditions:
Ehlers-Danlos syndrome, dermatosparaxis type. Also called: EDS VIIC; Dermatosparaxis; Ehlers-Danlos syndrome, type VII, autosomal recessive. Identifiers: Orphanet 1901, MedGen C2700425, MONDO:0009161, OMIM 225410.

Submission:

Myriad Genetics, Inc.
Classification: Pathogenic for Ehlers-Danlos syndrome, dermatosparaxis type. Last evaluated: 2024-05-14. Review status: criteria provided, single submitter. Criteria: Myriad Autosomal Dominant, Autosomal Recessive and X-Linked Classification Criteria (2023). Collection method: clinical testing. Allele origin: unknown.
Comment: NM_014244.4(ADAMTS2):c.67_68ins5(L23Pfs*144) is expected to be pathogenic in the context of Ehlers-Danlos syndrome, ADAMTS2-related. This variant is predicted to lead to an abnormal or absent protein product due to the creation of a premature termination codon in ADAMTS2, a gene where loss-of-function variants are known to be pathogenic. Please note: this variant was assessed in the context of healthy population screening.